The following is an entry in ClinVar:

NM_020184.4(CNNM4):c.2248C>T (p.Pro750Ser)

Gene: CNNM4 (cyclin and CBS domain divalent metal cation transport mediator 4; plus strand). Cytogenetic location: 2q11.2.
Variant type: single nucleotide variant.
Coding change: c.2248C>T on transcript NM_020184.4 (MANE Select); coding-DNA position 2248, C replaced by T.
Protein change: p.Pro750Ser; replaces proline 750 with serine.
Molecular consequence: missense variant.
Genome position (GRCh38, 1-based): chr2:96,809,437, C>T. VCF-style: chr2-96809437-C-T. GRCh37 (hg19) VCF-style: chr2-97475174-C-T.
Other names: short protein forms P750S.
Identifiers: ClinVar variation 1020333 (VCV001020333.10), dbSNP rs918154808, ClinGen allele CA52461494.
Genomic context (GRCh38, chr2:96,809,437, plus strand): 5'-CAGTTTCCCATAGACGGGTGCACCACCCACATGGAGAACTTGGCCGAGAAGTCTGAGCTG[C>T]CTGTGGTGGACGAGACCACAACTCTTCTCAACGAGCGTAACTCCTTGCTGCACAAAGCCT-3'
Protein context (NP_064569.3, residues 740-760): MENLAEKSEL[Pro750Ser]VVDETTTLLN

ClinVar aggregate classification (germline): Uncertain significance (1 of 4 stars; one submission).

Allele frequency attached by ClinVar (database versions not stated): gnomAD exomes below 0.00001; gnomAD 0.00001; TOPMed 0.00002.
gnomAD v4.1: 6 of 1,614,092 alleles (0.00037%); highest among the groups gnomAD compares: East Asian, 0.0022%; no homozygotes.

Submission:

Labcorp Genetics (formerly Invitae), Labcorp
Classification: Uncertain significance. Last evaluated: 2022-10-26. Review status: criteria provided, single submitter. Criteria: Invitae Variant Classification Sherloc (09022015). Collection method: clinical testing. Allele origin: germline.
Comment: This sequence change replaces proline, which is neutral and non-polar, with serine, which is neutral and polar, at codon 750 of the CNNM4 protein (p.Pro750Ser). This variant is not present in population databases (gnomAD no frequency). This variant has not been reported in the literature in individuals affected with CNNM4-related conditions. ClinVar contains an entry for this variant (Variation ID: 1020333). Algorithms developed to predict the effect of missense changes on protein structure and function (SIFT, PolyPhen-2, Align-GVGD) all suggest that this variant is likely to be tolerated. In summary, the available evidence is currently insufficient to determine the role of this variant in disease. Therefore, it has been classified as a Variant of Uncertain Significance.